The following is an entry in ClinVar:

ClinVar aggregate classification (germline): Conflicting classifications of pathogenicity. Review status: criteria provided, conflicting classifications (1 of 4 stars). 6 submissions from 6 submitters: Uncertain significance (5); Likely benign (1). Last evaluated 2025-11-23.

Conditions:
Familial cancer of breast. Also called: BREAST CANCER, FAMILIAL; Hereditary breast cancer; hereditary breast carcinoma. Identifiers: Orphanet 227535, MedGen C0346153, MONDO:0016419, OMIM 114480. Disease mechanism: loss of function.
Hereditary cancer-predisposing syndrome. Also called: Hereditary neoplastic syndrome; Neoplastic Syndromes, Hereditary; Tumor predisposition; Hereditary Cancer Syndrome. Identifiers: Orphanet 140162, MedGen C0027672, MeSH D009386, MONDO:0015356.
Ataxia-telangiectasia syndrome (AT). Also called: LOUIS-BAR SYNDROME; Cerebello-oculocutaneous telangiectasia; Immunodeficiency with ataxia telangiectasia; AT, COMPLEMENTATION GROUP C; Ataxia-telangiectasia, complementation group D; ATAXIA-TELANGIECTASIA, COMPLEMENTATION GROUP A. Identifiers: Orphanet 100, MedGen C0004135, MONDO:0008840, OMIM 208900.

Allele frequency attached by ClinVar (database versions not stated): gnomAD exomes below 0.00001.
gnomAD v4.1: 3 of 1,614,098 alleles (0.00019%); highest among the groups gnomAD compares: Non-Finnish European, 0.00017%; no homozygotes.

Submissions (6):

Labcorp Genetics (formerly Invitae), Labcorp
Classification: Uncertain significance for Ataxia-telangiectasia syndrome. Last evaluated: 2025-11-23. Review status: criteria provided, single submitter. Criteria: Invitae Variant Classification Sherloc (09022015). Collection method: clinical testing. Allele origin: germline.
Comment: This sequence change replaces glutamic acid, which is acidic and polar, with glutamine, which is neutral and polar, at codon 498 of the ATM protein (p.Glu498Gln). This variant is not present in population databases (gnomAD no frequency). This variant has not been reported in the literature in individuals affected with ATM-related conditions. ClinVar contains an entry for this variant (Variation ID: 482547). Invitae Evidence Modeling of protein sequence and biophysical properties (such as structural, functional, and spatial information, amino acid conservation, physicochemical variation, residue mobility, and thermodynamic stability) indicates that this missense variant is not expected to disrupt ATM protein function with a negative predictive value of 95%. In summary, the available evidence is currently insufficient to determine the role of this variant in disease. Therefore, it has been classified as a Variant of Uncertain Significance.

Quest Diagnostics Nichols Institute San Juan Capistrano
Classification: Uncertain significance. Last evaluated: 2024-12-14. Review status: criteria provided, single submitter. Criteria: Quest Diagnostics criteria. Collection method: clinical testing. Allele origin: unknown.

GeneDx
Classification: Uncertain significance. Last evaluated: 2024-10-27. Review status: criteria provided, single submitter. Criteria: GeneDx Variant Classification Process June 2021. Collection method: clinical testing. Allele origin: germline. Affected: yes.
Comment: Not observed at significant frequency in large population cohorts (gnomAD); In silico analysis indicates that this missense variant does not alter protein structure/function; Has not been previously published as pathogenic or benign to our knowledge

Color Diagnostics, LLC DBA Color Health
Classification: Uncertain significance for Hereditary cancer-predisposing syndrome. Last evaluated: 2024-08-19. Review status: criteria provided, single submitter. Criteria: ACMG Guidelines, 2015. Collection method: clinical testing. Allele origin: germline.
Comment: This missense variant replaces glutamic acid with glutamine at codon 498 of the ATM protein. Computational prediction suggests that this variant may not impact protein structure and function. To our knowledge, functional studies have not been reported for this variant. This variant has not been reported in individuals affected with hereditary cancer in the literature. This variant has not been identified in the general population by the Genome Aggregation Database (gnomAD). The available evidence is insufficient to determine the role of this variant in disease conclusively. Therefore, this variant is classified as a Variant of Uncertain Significance.

Ambry Genetics
Classification: Likely benign for Hereditary cancer-predisposing syndrome. Last evaluated: 2024-06-03. Review status: criteria provided, single submitter. Criteria: Ambry Variant Classification Scheme 2023. Collection method: clinical testing. Allele origin: germline.

Baylor Genetics
Classification: Uncertain significance for Familial cancer of breast. Last evaluated: 2023-10-22. Review status: criteria provided, single submitter. Criteria: ACMG Guidelines, 2015. Collection method: clinical testing. Allele origin: unknown.

NM_000051.4(ATM):c.1492G>C (p.Glu498Gln)

Gene: ATM (ATM serine/threonine kinase; plus strand). Cytogenetic location: 11q22.3.
Variant type: single nucleotide variant.
Coding change: c.1492G>C on transcript NM_000051.4 (MANE Select); coding-DNA position 1492, G replaced by C.
Protein change: p.Glu498Gln; replaces glutamic acid 498 with glutamine.
Molecular consequence: missense variant.
Genome position (GRCh38, 1-based): chr11:108,250,957, G>C. VCF-style: chr11-108250957-G-C. GRCh37 (hg19) VCF-style: chr11-108121684-G-C.
Other names: c.1492G>C, p.Glu498Gln (NM_001351834.2); short protein forms E498Q.
Identifiers: ClinVar variation 482547 (VCV000482547.20), dbSNP rs1555071060, ClinGen allele CA382534210.